The following is an entry in ClinVar:

NM_032447.5(FBN3):c.6181A>G (p.Ser2061Gly)

Gene: FBN3 (fibrillin 3; minus strand). Cytogenetic location: 19p13.2.
Variant type: single nucleotide variant.
Coding change: c.6181A>G on transcript NM_032447.5 (MANE Select); coding-DNA position 6181, A replaced by G.
Protein change: p.Ser2061Gly; replaces serine 2061 with glycine.
Molecular consequence: missense variant.
Genome position (GRCh38, 1-based): chr19:8,090,102, T>C on the plus strand (A>G on the coding strand, the complement: FBN3 is on the minus strand). VCF-style: chr19-8090102-T-C. GRCh37 (hg19) VCF-style: chr19-8154986-T-C.
Other names: c.6181A>G, p.Ser2061Gly (NM_001321431.2); short protein forms S2061G.
Identifiers: ClinVar variation 4762875 (VCV004762875.1).

ClinVar aggregate classification (germline): Uncertain significance (1 of 4 stars; one submission).

Submission:

Labcorp Genetics (formerly Invitae), Labcorp
Classification: Uncertain significance. Last evaluated: 2025-10-23. Review status: criteria provided, single submitter. Criteria: Invitae Variant Classification Sherloc (09022015). Collection method: clinical testing. Allele origin: germline.
Comment: This sequence change replaces serine, which is neutral and polar, with glycine, which is neutral and non-polar, at codon 2061 of the FBN3 protein (p.Ser2061Gly). This variant is not present in population databases (gnomAD no frequency). This variant has not been reported in the literature in individuals affected with FBN3-related conditions. Invitae Evidence Modeling of protein sequence and biophysical properties (such as structural, functional, and spatial information, amino acid conservation, physicochemical variation, residue mobility, and thermodynamic stability) indicates that this missense variant is not expected to disrupt FBN3 protein function with a negative predictive value of 80%. In summary, the available evidence is currently insufficient to determine the role of this variant in disease. Therefore, it has been classified as a Variant of Uncertain Significance.